The following is an entry in ClinVar:

ClinVar aggregate classification (germline): Uncertain significance. Review status: criteria provided, multiple submitters, no conflicts (2 of 4 stars). 2 submissions from 2 submitters: Uncertain significance (2). Last evaluated 2025-02-10.

Conditions:
Glomerulopathy with fibronectin deposits 2 (GFND2). Identifiers: Orphanet 84090, MedGen C1866075, MONDO:0011165, OMIM 601894.
Spondylometaphyseal dysplasia - Sutcliffe type. Also called: Spondylometaphyseal dysplasia, 'corner fracture' type; Spondylometaphyseal Dysplasia, Corner Fracture Type; Sutcliffe type of spondylometaphyseal dysplasia; Sutcliffe SMD. Identifiers: Orphanet 93315, MedGen C0432221, MONDO:0008479, OMIM 184255.

Allele frequency attached by ClinVar (database versions not stated): gnomAD 0.00001 and 0.00002; gnomAD exomes 0.00001; ExAC 0.00002; TOPMed 0.00002.
gnomAD v4.1: 21 of 1,614,060 alleles (0.0013%); highest among the groups gnomAD compares: Admixed American, 0.0067%; no homozygotes.

Submissions (2):

Labcorp Genetics (formerly Invitae), Labcorp
Classification: Uncertain significance. Last evaluated: 2025-02-10. Review status: criteria provided, single submitter. Criteria: Invitae Variant Classification Sherloc (09022015). Collection method: clinical testing. Allele origin: germline.
Comment: This sequence change replaces proline, which is neutral and non-polar, with serine, which is neutral and polar, at codon 303 of the FN1 protein (p.Pro303Ser). This variant is present in population databases (rs750138959, gnomAD 0.03%). This variant has not been reported in the literature in individuals affected with FN1-related conditions. ClinVar contains an entry for this variant (Variation ID: 1372649). An algorithm developed to predict the effect of missense changes on protein structure and function (PolyPhen-2) suggests that this variant is likely to be tolerated. In summary, the available evidence is currently insufficient to determine the role of this variant in disease. Therefore, it has been classified as a Variant of Uncertain Significance.

Fulgent Genetics
Classification: Uncertain significance for Spondylometaphyseal dysplasia - Sutcliffe type; Glomerulopathy with fibronectin deposits 2. Last evaluated: 2022-04-05. Review status: criteria provided, single submitter. Criteria: ACMG Guidelines, 2015. Collection method: clinical testing. Allele origin: unknown.

NM_212482.4(FN1):c.907C>T (p.Pro303Ser)

Gene: FN1 (fibronectin 1; minus strand). Cytogenetic location: 2q35.
Variant type: single nucleotide variant.
Coding change: c.907C>T on transcript NM_212482.4 (MANE Select); coding-DNA position 907, C replaced by T.
Protein change: p.Pro303Ser; replaces proline 303 with serine.
Molecular consequence: missense variant.
Genome position (GRCh38, 1-based): chr2:215,425,223, G>A on the plus strand (C>T on the coding strand, the complement: FN1 is on the minus strand). VCF-style: chr2-215425223-G-A. GRCh37 (hg19) VCF-style: chr2-216289946-G-A.
Other names: c.907C>T, p.Pro303Ser (NM_001365524.2, NM_002026.4, NM_054034.3 and 14 more transcripts); short protein forms P303S.
Identifiers: ClinVar variation 1372649 (VCV001372649.7), dbSNP rs750138959, ClinGen allele CA2095425.